The following is an entry in ClinVar:

ClinVar aggregate classification (germline): Conflicting classifications of pathogenicity. Review status: criteria provided, conflicting classifications (1 of 4 stars). 9 submissions from 9 submitters: Uncertain significance (2); Benign (2); Likely benign (5). Last evaluated 2026-01-28.

Conditions:
Heterotopia, periventricular, X-linked dominant (PVNH1). Also called: PERIVENTRICULAR NODULAR HETEROTOPIA 1; X-linked periventricular heterotopia; PERIVENTRICULAR NODULAR HETEROTOPIA 4; HETEROTOPIA, PERIVENTRICULAR, 1. Identifiers: Orphanet 2149, Orphanet 82004, MedGen C1848213, MONDO:0010233, OMIM 300049.
Melnick-Needles syndrome (MNS). Also called: MELNICK-NEEDLES OSTEODYSPLASTY; OSTEODYSPLASTY OF MELNICK AND NEEDLES; Melnick-Needles Syndrome (FLNA-MNS). Identifiers: Orphanet 2484, MedGen C0025237, MONDO:0010650, OMIM 309350.
Frontometaphyseal dysplasia (FMD1). Identifiers: Orphanet 1826, MedGen C0265293, MONDO:0015942.
Oto-palato-digital syndrome, type II (OPD2). Also called: FACIOPALATOOSSEOUS SYNDROME; OPD II SYNDROME; Otopalatodigital Syndrome, Type II; Otopalatodigital Syndrome Type 2 (FLNA-OPD2). Identifiers: Orphanet 669, Orphanet 90652, MedGen C1844696, MONDO:0010571, OMIM 304120.
Familial thoracic aortic aneurysm and aortic dissection (TAAD). Also called: Thoracic aortic aneurysms and dissections. Identifiers: Orphanet 91387, MedGen C4707243, MONDO:0019625.

Allele frequency attached by ClinVar (database versions not stated): ExAC 0.00008; gnomAD exomes 0.00008; TOPMed 0.00022; gnomAD 0.00026 and 0.00028; ESP Exome Variant Server 0.00049.
gnomAD v4.1: 93 of 1,209,305 alleles (0.0077%); highest among the groups gnomAD compares: African/African-American, 0.063%; no homozygotes.

Submissions (9):

Labcorp Genetics (formerly Invitae), Labcorp
Classification: Likely benign for Oto-palato-digital syndrome, type II; Heterotopia, periventricular, X-linked dominant; Frontometaphyseal dysplasia; Melnick-Needles syndrome. Last evaluated: 2026-01-28. Review status: criteria provided, single submitter. Criteria: Invitae Variant Classification Sherloc (09022015). Collection method: clinical testing. Allele origin: germline.

CeGaT Center for Human Genetics Tuebingen
Classification: Likely benign. Last evaluated: 2026-01-01. Review status: criteria provided, single submitter. Criteria: CeGaT Center For Human Genetics Tuebingen Variant Classification Criteria Version 2. Collection method: clinical testing. Allele origin: germline. Affected: yes. Observed: 3 variant alleles.
Comment: FLNA: BP4, BP7, BS2

Mayo Clinic Laboratories, Mayo Clinic
Classification: Likely benign. Last evaluated: 2025-11-14. Review status: criteria provided, single submitter. Criteria: ACMG Guidelines, 2015. Collection method: clinical testing. Allele origin: germline. Observed: 3 variant alleles.
Comment: BS2, BP4, BP7

Women's Health and Genetics/Laboratory Corporation of America, LabCorp
Classification: Benign. Last evaluated: 2024-10-20. Review status: criteria provided, single submitter. Criteria: LabCorp Variant Classification Summary - May 2015. Collection method: clinical testing. Allele origin: germline.

Blueprint Genetics
Classification: Likely benign. Last evaluated: 2024-07-17. Review status: criteria provided, single submitter. Criteria: ACMG Guidelines, 2015. Collection method: clinical testing. Allele origin: germline.

Ambry Genetics
Classification: Likely benign for Familial thoracic aortic aneurysm and aortic dissection. Last evaluated: 2018-01-23. Review status: criteria provided, single submitter. Criteria: Ambry Variant Classification Scheme 2023. Collection method: clinical testing. Allele origin: germline.

Eurofins Ntd Llc (ga)
Classification: Uncertain significance. Last evaluated: 2017-05-01. Review status: criteria provided, single submitter. Criteria: EGL Classification Definitions 2015. Collection method: clinical testing. Allele origin: germline. Observed: 2 variant alleles, 1 heterozygote, 1 hemizygote.

GeneDx
Classification: Benign. Last evaluated: 2016-04-12. Review status: criteria provided, single submitter. Criteria: GeneDx Variant Classification (06012015). Collection method: clinical testing. Allele origin: germline. Affected: yes.
Comment: This variant is considered likely benign or benign based on one or more of the following criteria: it is a conservative change, it occurs at a poorly conserved position in the protein, it is predicted to be benign by multiple in silico algorithms, and/or has population frequency not consistent with disease.

Genetic Services Laboratory, University of Chicago
Classification: Uncertain significance. Last evaluated: 2013-09-24. Review status: criteria provided, single submitter. Criteria: ACMG Guidelines, 2007. Collection method: clinical testing. Allele origin: germline. Inheritance: X-linked inheritance.

NM_001110556.2(FLNA):c.2178C>T (p.Asn726=)

Gene: FLNA (filamin A; minus strand). Cytogenetic location: Xq28.
Variant type: single nucleotide variant.
Coding change: c.2178C>T on transcript NM_001110556.2 (MANE Select); coding-DNA position 2178, C replaced by T.
Protein change: p.Asn726=; no amino-acid change (asparagine 726 retained).
Molecular consequence: synonymous variant.
Genome position (GRCh38, 1-based): chrX:154,364,124, G>A on the plus strand (C>T on the coding strand, the complement: FLNA is on the minus strand). VCF-style: chrX-154364124-G-A. GRCh37 (hg19) VCF-style: chrX-153592492-G-A.
Other names: p.Asn726=; c.2178C>T, p.Asn726= (NM_001456.4).
Identifiers: ClinVar variation 129068 (VCV000129068.49), dbSNP rs371501734, ClinGen allele CA231111.